The following is an entry in ClinVar:

ClinVar aggregate classification (germline): Uncertain significance. Review status: criteria provided, multiple submitters, no conflicts (2 of 4 stars). 2 submissions from 2 submitters: Uncertain significance (2). Last evaluated 2025-01-08.

Conditions:
Limb-girdle muscular dystrophy due to POMK deficiency. Also called: MUSCULAR DYSTROPHY-DYSTROGLYCANOPATHY, LIMB-GIRDLE, POMK-RELATED; Muscular dystrophy-dystroglycanopathy (limb-girdle), type c, 12. Identifiers: Orphanet 445110, MedGen C4015184, MONDO:0014489, OMIM 616094.
Muscular dystrophy-dystroglycanopathy (congenital with brain and eye anomalies), type a, 12 (MDDGA12). Also called: WALKER-WARBURG SYNDROME OR MUSCLE-EYE-BRAIN DISEASE, POMK-RELATED. Identifiers: Orphanet 899, MedGen C3808964, MONDO:0014101, OMIM 615249.

Allele frequency attached by ClinVar (database versions not stated): TOPMed below 0.00001; gnomAD 0.00001; gnomAD exomes 0.00001.
gnomAD v4.1: 11 of 1,613,844 alleles (0.00068%); highest among the groups gnomAD compares: Non-Finnish European, 0.00093%; no homozygotes.

Submissions (2):

Labcorp Genetics (formerly Invitae), Labcorp
Classification: Uncertain significance for Muscular dystrophy-dystroglycanopathy (congenital with brain and eye anomalies), type a, 12; Limb-girdle muscular dystrophy due to POMK deficiency. Last evaluated: 2025-01-08. Review status: criteria provided, single submitter. Criteria: Invitae Variant Classification Sherloc (09022015). Collection method: clinical testing. Allele origin: germline.
Comment: This sequence change replaces isoleucine, which is neutral and non-polar, with valine, which is neutral and non-polar, at codon 43 of the POMK protein (p.Ile43Val). This variant is not present in population databases (gnomAD no frequency). This variant has not been reported in the literature in individuals affected with POMK-related conditions. ClinVar contains an entry for this variant (Variation ID: 1306267). Invitae Evidence Modeling of protein sequence and biophysical properties (such as structural, functional, and spatial information, amino acid conservation, physicochemical variation, residue mobility, and thermodynamic stability) indicates that this missense variant is not expected to disrupt POMK protein function with a negative predictive value of 80%. In summary, the available evidence is currently insufficient to determine the role of this variant in disease. Therefore, it has been classified as a Variant of Uncertain Significance.

GeneDx
Classification: Uncertain significance. Last evaluated: 2019-06-03. Review status: criteria provided, single submitter. Criteria: GeneDx Variant Classification Process June 2021. Collection method: clinical testing. Allele origin: germline. Affected: yes.
Comment: Not observed in large population cohorts (Lek et al., 2016); In silico analysis, which includes protein predictors and evolutionary conservation, supports that this variant does not alter protein structure/function; Has not been previously published as pathogenic or benign to our knowledge

NM_032237.5(POMK):c.127A>G (p.Ile43Val)

Gene: POMK (protein O-mannose kinase; plus strand). Cytogenetic location: 8p11.21.
Variant type: single nucleotide variant.
Coding change: c.127A>G on transcript NM_032237.5 (MANE Select); coding-DNA position 127, A replaced by G.
Protein change: p.Ile43Val; replaces isoleucine 43 with valine.
Molecular consequence: missense variant.
Genome position (GRCh38, 1-based): chr8:43,103,675, A>G. VCF-style: chr8-43103675-A-G. GRCh37 (hg19) VCF-style: chr8-42958818-A-G.
Other names: c.127A>G, p.Ile43Val (NM_001277971.2); short protein forms I43V.
Identifiers: ClinVar variation 1306267 (VCV001306267.3), dbSNP rs1470311222, ClinGen allele CA371116810.